The following is an entry in ClinVar:

NM_139215.3(TAF15):c.59A>G (p.Tyr20Cys)

Gene: TAF15 (TATA-box binding protein associated factor 15; plus strand). Cytogenetic location: 17q12.
Variant type: single nucleotide variant.
Coding change: c.59A>G on transcript NM_139215.3 (MANE Select); coding-DNA position 59, A replaced by G.
Protein change: p.Tyr20Cys; replaces tyrosine 20 with cysteine.
Molecular consequence: missense variant.
Genome position (GRCh38, 1-based): chr17:35,820,035, A>G. VCF-style: chr17-35820035-A-G. GRCh37 (hg19) VCF-style: chr17-34147039-A-G.
Other names: p.Tyr20Cys; c.59A>G (NM_139215.1); c.59A>G, p.Tyr20Cys (NM_003487.4); short protein forms Y20C.
Identifiers: ClinVar variation 3343736 (VCV003343736.3).

ClinVar aggregate classification (germline): Uncertain significance. Review status: criteria provided, multiple submitters, no conflicts (2 of 4 stars). 3 submissions from 3 submitters: Uncertain significance (3). Last evaluated 2025-04-30.

gnomAD v4.1: 29 of 1,613,906 alleles (0.0018%); highest among the groups gnomAD compares: African/African-American, 0.004%; no homozygotes.

Submissions (3):

Ambry Genetics
Classification: Uncertain significance. Last evaluated: 2025-04-30. Review status: criteria provided, single submitter. Criteria: Ambry Variant Classification Scheme 2023. Collection method: clinical testing. Allele origin: germline.

Mayo Clinic Laboratories, Mayo Clinic
Classification: Uncertain significance. Last evaluated: 2025-04-21. Review status: criteria provided, single submitter. Criteria: ACMG Guidelines, 2015. Collection method: clinical testing. Allele origin: germline. Observed: 1 variant allele.
Comment: PP3_moderate

GeneDx
Classification: Uncertain significance. Last evaluated: 2023-05-20. Review status: criteria provided, single submitter. Criteria: GeneDx Variant Classification Process June 2021. Collection method: clinical testing. Allele origin: germline. Affected: yes.
Comment: In silico analysis supports that this missense variant has a deleterious effect on protein structure/function; Has not been previously published as pathogenic or benign to our knowledge